The following is an entry in ClinVar:

ClinVar aggregate classification (germline): Likely benign. Review status: criteria provided, multiple submitters, no conflicts (2 of 4 stars). 3 submissions from 3 submitters: Likely benign (2). 1 of the submissions does not count toward it. Last evaluated 2025-09-28.

Conditions:
ADAMTS2-related disorder. Also called: ADAMTS2-related condition.
Ehlers-Danlos syndrome, dermatosparaxis type. Also called: Ehlers-Danlos syndrome, type VII, autosomal recessive; EDS VIIC; Dermatosparaxis. Identifiers: Orphanet 1901, MedGen C2700425, MONDO:0009161, OMIM 225410.

Allele frequency attached by ClinVar (database versions not stated): TOPMed below 0.00001; gnomAD 0.00001; gnomAD exomes 0.00001; ExAC 0.00003; 1000 Genomes Project 30x 0.00016; 1000 Genomes Project 0.00020.
gnomAD v4.1: 13 of 1,613,492 alleles (0.00081%); highest among the groups gnomAD compares: South Asian, 0.013%; no homozygotes.

Submissions (3):

Labcorp Genetics (formerly Invitae), Labcorp
Classification: Likely benign for Ehlers-Danlos syndrome, dermatosparaxis type. Last evaluated: 2025-09-28. Review status: criteria provided, single submitter. Criteria: Invitae Variant Classification Sherloc (09022015). Collection method: clinical testing. Allele origin: germline.

CeGaT Center for Human Genetics Tuebingen
Classification: Likely benign. Last evaluated: 2023-02-01. Review status: criteria provided, single submitter. Criteria: CeGaT Center For Human Genetics Tuebingen Variant Classification Criteria Version 2. Collection method: clinical testing. Allele origin: germline. Affected: yes. Observed: 1 variant allele.
Comment: ADAMTS2: BP4, BP7

PreventionGenetics, part of Exact Sciences
Classification: Likely benign for ADAMTS2-related condition. Last evaluated: 2019-10-28. Review status: no assertion criteria provided. Collection method: clinical testing. Allele origin: germline. Not counted in ClinVar's aggregate classification.
Comment: This variant is classified as likely benign based on ACMG/AMP sequence variant interpretation guidelines (Richards et al. 2015 PMID: 25741868, with internal and published modifications).

NM_014244.5(ADAMTS2):c.1998G>A (p.Glu666=)

Gene: ADAMTS2 (ADAM metallopeptidase with thrombospondin type 1 motif 2; minus strand). Cytogenetic location: 5q35.3.
Variant type: single nucleotide variant.
Coding change: c.1998G>A on transcript NM_014244.5 (MANE Select); coding-DNA position 1998, G replaced by A.
Protein change: p.Glu666=; no amino-acid change (glutamic acid 666 retained).
Molecular consequence: synonymous variant.
Genome position (GRCh38, 1-based): chr5:179,135,996, C>T on the plus strand (G>A on the coding strand, the complement: ADAMTS2 is on the minus strand). VCF-style: chr5-179135996-C-T. GRCh37 (hg19) VCF-style: chr5-178562997-C-T.
Other names: c.1998G>A (NM_014244.4).
Identifiers: ClinVar variation 1082935 (VCV001082935.34), dbSNP rs548886013, ClinGen allele CA3595717.
Genomic context (GRCh38, chr5:179,135,996, plus strand): 5'-GAAGGCGTCCTTGTAGGAGCAGCGCGTCCCGTCATGCACCATGCGCTTCATGGACACCAC[C>T]TCCCCGGTCTCCCTGGACTCGCAGTACAGGTGGCATCTCTCCTTGGCTGGAAGGGAAGCA-3'
Protein context (NP_055059.2, residues 656-676): HLYCESRETG[Glu666=]VVSMKRMVHD